The following is an entry in ClinVar:

NM_024408.4(NOTCH2):c.4741C>T (p.Arg1581Trp)

Gene: NOTCH2 (notch receptor 2; minus strand). Cytogenetic location: 1p12.
Variant type: single nucleotide variant.
Coding change: c.4741C>T on transcript NM_024408.4 (MANE Select); coding-DNA position 4741, C replaced by T.
Protein change: p.Arg1581Trp; replaces arginine 1581 with tryptophan.
Molecular consequence: missense variant.
Genome position (GRCh38, 1-based): chr1:119,923,755, G>A on the plus strand (C>T on the coding strand, the complement: NOTCH2 is on the minus strand). VCF-style: chr1-119923755-G-A. GRCh37 (hg19) VCF-style: chr1-120466378-G-A.
Other names: c.4741C>T (NM_024408.3); short protein forms R1581W.
Identifiers: ClinVar variation 1025175 (VCV001025175.9), dbSNP rs779822957, ClinGen allele CA1039809.

ClinVar aggregate classification (germline): Uncertain significance. Review status: criteria provided, single submitter (1 of 4 stars). 2 submissions from 2 submitters: Uncertain significance (1). 1 of the submissions does not count toward it. Last evaluated 2024-03-01.

Conditions:
NOTCH2-related disorder. Also called: NOTCH2-related condition.
Hajdu-Cheney syndrome (HJCYS). Also called: Acroosteolysis dominant type; SERPENTINE FIBULA-POLYCYSTIC KIDNEY SYNDROME; ACROOSTEOLYSIS WITH OSTEOPOROSIS AND CHANGES IN SKULL AND MANDIBLE. Identifiers: Orphanet 955, MedGen C0917715, MONDO:0007057, OMIM 102500.

Allele frequency attached by ClinVar (database versions not stated): gnomAD exomes below 0.00001 and 0.00001; TOPMed 0.00002; gnomAD 0.00001; ExAC 0.00001.
gnomAD v4.1: 13 of 1,614,002 alleles (0.00081%); highest among the groups gnomAD compares: African/African-American, 0.004%; no homozygotes.

Submissions (2):

Labcorp Genetics (formerly Invitae), Labcorp
Classification: Uncertain significance for Hajdu-Cheney syndrome. Last evaluated: 2024-03-01. Review status: criteria provided, single submitter. Criteria: Invitae Variant Classification Sherloc (09022015). Collection method: clinical testing. Allele origin: germline.
Comment: This sequence change replaces arginine, which is basic and polar, with tryptophan, which is neutral and slightly polar, at codon 1581 of the NOTCH2 protein (p.Arg1581Trp). This variant is present in population databases (rs779822957, gnomAD 0.007%). This variant has not been reported in the literature in individuals affected with NOTCH2-related conditions. ClinVar contains an entry for this variant (Variation ID: 1025175). Advanced modeling of protein sequence and biophysical properties (such as structural, functional, and spatial information, amino acid conservation, physicochemical variation, residue mobility, and thermodynamic stability) performed at Invitae indicates that this missense variant is not expected to disrupt NOTCH2 protein function with a negative predictive value of 80%. In summary, the available evidence is currently insufficient to determine the role of this variant in disease. Therefore, it has been classified as a Variant of Uncertain Significance.

PreventionGenetics, part of Exact Sciences
Classification: Uncertain significance for NOTCH2-related condition. Last evaluated: 2024-08-28. Review status: no assertion criteria provided. Collection method: clinical testing. Allele origin: germline. Not counted in ClinVar's aggregate classification.
Comment: The NOTCH2 c.4741C>T variant is predicted to result in the amino acid substitution p.Arg1581Trp. To our knowledge, this variant has not been reported in the literature or in a large population database, indicating this variant is rare. At this time, the clinical significance of this variant is uncertain due to the absence of conclusive functional and genetic evidence.